The following is an entry in ClinVar:

NM_001174089.2(SLC4A11):c.1416-1G>A

Gene: SLC4A11 (solute carrier family 4 member 11; minus strand). Cytogenetic location: 20p13.
Variant type: single nucleotide variant.
Coding change: c.1416-1G>A on transcript NM_001174089.2 (MANE Select); the canonical splice acceptor site of the intron before coding-DNA position 1416, G replaced by A.
Molecular consequence: splice acceptor variant.
Genome position (GRCh38, 1-based): chr20:3,230,261, C>T on the plus strand (G>A on the coding strand, the complement: SLC4A11 is on the minus strand). VCF-style: chr20-3230261-C-T. GRCh37 (hg19) VCF-style: chr20-3210907-C-T.
Other names: c.1359-1G>A (NM_001400277.1, NM_001400278.1, NM_001400279.1); c.1302-1G>A (NM_001363745.2); c.1431-1G>A (NM_001400280.1); c.1545-1G>A (NM_001174090.2); c.1464-1G>A (NM_032034.4).
Identifiers: ClinVar variation 2912883 (VCV002912883.3), dbSNP rs2067710234, ClinGen allele CA408088519.

ClinVar aggregate classification (germline): Likely pathogenic (1 of 4 stars; one submission).

Submission:

Labcorp Genetics (formerly Invitae), Labcorp
Classification: Likely pathogenic. Last evaluated: 2023-02-11. Review status: criteria provided, single submitter. Criteria: Invitae Variant Classification Sherloc (09022015). Collection method: clinical testing. Allele origin: germline.
Comment: In summary, the currently available evidence indicates that the variant is pathogenic, but additional data are needed to prove that conclusively. Therefore, this variant has been classified as Likely Pathogenic. Algorithms developed to predict the effect of sequence changes on RNA splicing suggest that this variant may disrupt the consensus splice site. This variant has not been reported in the literature in individuals affected with SLC4A11-related conditions. This variant is not present in population databases (gnomAD no frequency). This sequence change affects an acceptor splice site in intron 11 of the SLC4A11 gene. It is expected to disrupt RNA splicing. Variants that disrupt the donor or acceptor splice site typically lead to a loss of protein function (PMID: 16199547), and loss-of-function variants in SLC4A11 are known to be pathogenic (PMID: 17220209, 17679935).

Literature cited by the submitters: PubMed 16199547; PubMed 17220209; PubMed 17679935.